The following is an entry in ClinVar:

NM_000038.6(APC):c.2434G>C (p.Asp812His)

Gene: APC (APC regulator of Wnt signaling pathway; plus strand). Cytogenetic location: 5q22.2.
Variant type: single nucleotide variant.
Coding change: c.2434G>C on transcript NM_000038.6 (MANE Select); coding-DNA position 2434, G replaced by C.
Protein change: p.Asp812His; replaces aspartic acid 812 with histidine.
Molecular consequence: missense variant.
Genome position (GRCh38, 1-based): chr5:112,838,028, G>C. VCF-style: chr5-112838028-G-C. GRCh37 (hg19) VCF-style: chr5-112173725-G-C.
Other names: c.2434G>C, p.Asp812His (NM_001127510.3, NM_001354895.2); c.2380G>C, p.Asp794His (NM_001127511.3); c.2488G>C, p.Asp830His (NM_001354896.2); c.2464G>C, p.Asp822His (NM_001354897.2); c.2359G>C, p.Asp787His (NM_001354898.2); c.2350G>C, p.Asp784His (NM_001354899.2); c.2311G>C, p.Asp771His (NM_001354900.2); c.2257G>C, p.Asp753His (NM_001354901.2); and 5 more; short protein forms D812H, D794H, D721H, D753H, D830H, D529H, D686H, D711H.
Identifiers: ClinVar variation 482363 (VCV000482363.56), dbSNP rs761178697, ClinGen allele CA032056.

ClinVar aggregate classification (germline): Uncertain significance. Review status: criteria provided, multiple submitters, no conflicts (2 of 4 stars). 4 submissions from 4 submitters: Uncertain significance (4). Last evaluated 2024-09-04.

Conditions:
Hereditary cancer-predisposing syndrome. Also called: Neoplastic Syndromes, Hereditary; Tumor predisposition; Hereditary Cancer Syndrome; Hereditary neoplastic syndrome. Identifiers: Orphanet 140162, MedGen C0027672, MeSH D009386, MONDO:0015356.
Familial adenomatous polyposis 1 (FAP1). Also called: FAMILIAL ADENOMATOUS POLYPOSIS 1, ATTENUATED; POLYPOSIS, ADENOMATOUS INTESTINAL. Identifiers: MedGen C2713442, MONDO:0021056, OMIM 175100. Disease mechanism: loss of function.
Classic or attenuated familial adenomatous polyposis. Identifiers: MedGen CN372698, MONDO:0021057.

Allele frequency attached by ClinVar (database versions not stated): gnomAD exomes below 0.00001; ExAC 0.00001.
gnomAD v4.1: 5 of 1,614,118 alleles (0.00031%); highest among the groups gnomAD compares: East Asian, 0.0045%; no homozygotes.

Submissions (4):

Labcorp Genetics (formerly Invitae), Labcorp
Classification: Uncertain significance for Familial adenomatous polyposis 1. Last evaluated: 2024-09-04. Review status: criteria provided, single submitter. Criteria: Invitae Variant Classification Sherloc (09022015). Collection method: clinical testing. Allele origin: germline.
Comment: This sequence change replaces aspartic acid, which is acidic and polar, with histidine, which is basic and polar, at codon 812 of the APC protein (p.Asp812His). This variant is present in population databases (rs761178697, gnomAD 0.0009%). This variant has not been reported in the literature in individuals affected with APC-related conditions. ClinVar contains an entry for this variant (Variation ID: 482363). Invitae Evidence Modeling of protein sequence and biophysical properties (such as structural, functional, and spatial information, amino acid conservation, physicochemical variation, residue mobility, and thermodynamic stability) indicates that this missense variant is not expected to disrupt APC protein function with a negative predictive value of 95%. In summary, the available evidence is currently insufficient to determine the role of this variant in disease. Therefore, it has been classified as a Variant of Uncertain Significance.

Ambry Genetics
Classification: Uncertain significance for Hereditary cancer-predisposing syndrome. Last evaluated: 2024-04-23. Review status: criteria provided, single submitter. Criteria: Ambry Variant Classification Scheme 2023. Collection method: clinical testing. Allele origin: germline.
Comment: The p.D812H variant (also known as c.2434G>C), located in coding exon 15 of the APC gene, results from a G to C substitution at nucleotide position 2434. The aspartic acid at codon 812 is replaced by histidine, an amino acid with similar properties. This amino acid position is not well conserved in available vertebrate species. In addition, in silico predictors for this gene do not accurately predict pathogenicity. Based on the available evidence, the clinical significance of this variant remains unclear.

All of Us Research Program, National Institutes of Health
Classification: Uncertain significance for Classic or attenuated familial adenomatous polyposis. Last evaluated: 2023-10-06. Review status: criteria provided, single submitter. Criteria: ACMG Guidelines, 2015. Collection method: clinical testing. Allele origin: germline. Inheritance: Autosomal dominant inheritance. Observed: 1 variant allele, 1 heterozygote.
Comment: This missense variant replaces aspartic acid with histidine at codon 812 of the APC protein. Computational prediction suggests that this variant may not impact protein structure and function (internally defined REVEL score threshold <= 0.5, PMID: 27666373). To our knowledge, functional studies have not been reported for this variant. This variant has not been reported in individuals affected with APC-related disorders in the literature. This variant has been identified in 1/250852 chromosomes in the general population by the Genome Aggregation Database (gnomAD). The available evidence is insufficient to determine the role of this variant in disease conclusively. Therefore, this variant is classified as a Variant of Uncertain Significance.

This study involves interpretation of variants in research participants for the purpose of population health screening. Participant phenotype was not available at the time of variant classification. Additional details can be found in publication PMID: 35346344, PMCID: PMC8962531

Women's Health and Genetics/Laboratory Corporation of America, LabCorp
Classification: Uncertain significance. Last evaluated: 2023-01-19. Review status: criteria provided, single submitter. Criteria: LabCorp Variant Classification Summary - May 2015. Collection method: clinical testing. Allele origin: germline.
Comment: Variant summary: APC c.2434G>C (p.Asp812His) results in a non-conservative amino acid change in the encoded protein sequence. Three of five in-silico tools predict a damaging effect of the variant on protein function. The variant allele was found at a frequency of 4e-06 in 250852 control chromosomes. The available data on variant occurrences in the general population are insufficient to allow any conclusion about variant significance. To our knowledge, no occurrence of c.2434G>C in individuals affected with Familial Adenomatous Polyposis and no experimental evidence demonstrating its impact on protein function have been reported. Two clinical diagnostic laboratories have submitted clinical-significance assessments for this variant to ClinVar after 2014, and both laboratories classified the variant as uncertain significance. Based on the evidence outlined above, the variant was classified as uncertain significance.